The following is an entry in ClinVar:

NM_007194.4(CHEK2):c.658T>G (p.Tyr220Asp)

Gene: CHEK2 (checkpoint kinase 2; minus strand). Cytogenetic location: 22q12.1.
Variant type: single nucleotide variant.
Coding change: c.658T>G on transcript NM_007194.4 (MANE Select); coding-DNA position 658, T replaced by G.
Protein change: p.Tyr220Asp; replaces tyrosine 220 with aspartic acid.
Molecular consequence: missense variant. On other transcripts: 5 prime UTR variant (2), intron variant (1).
Genome position (GRCh38, 1-based): chr22:28,719,420, A>C on the plus strand (T>G on the coding strand, the complement: CHEK2 is on the minus strand). VCF-style: chr22-28719420-A-C. GRCh37 (hg19) VCF-style: chr22-29115408-A-C.
Other names: c.-6T>G (NM_001437942.1, NM_001257387.3); c.751T>G, p.Tyr251Asp (NM_001438293.1, NM_001438295.1); c.787T>G, p.Tyr263Asp (NM_001438294.1, NM_001005735.3); c.658T>G, p.Tyr220Asp (NM_145862.3); c.482+5466T>G (NM_001349956.3); short protein forms Y220D, Y263D, Y251D.
Identifiers: ClinVar variation 2775074 (VCV002775074.1), dbSNP rs1555924429, ClinGen allele CA411104926.

ClinVar aggregate classification (germline): Uncertain significance (1 of 4 stars; one submission).

Conditions:
Hereditary cancer-predisposing syndrome. Also called: Neoplastic Syndromes, Hereditary; Tumor predisposition; Hereditary Cancer Syndrome; Hereditary neoplastic syndrome. Identifiers: Orphanet 140162, MedGen C0027672, MeSH D009386, MONDO:0015356.

Submission:

Color Diagnostics, LLC DBA Color Health
Classification: Uncertain significance for Hereditary cancer-predisposing syndrome. Last evaluated: 2023-03-21. Review status: criteria provided, single submitter. Criteria: ACMG Guidelines, 2015. Collection method: clinical testing. Allele origin: germline.
Comment: This missense variant replaces tyrosine with aspartic acid at codon 220 of the CHEK2 protein. Computational prediction is inconclusive regarding the impact of this variant on protein structure and function (internally defined REVEL score threshold 0.5 < inconclusive < 0.7, PMID: 27666373). To our knowledge, functional studies have not been reported for this variant. This variant has not been reported in individuals affected with CHEK2-related disorders in the literature. This variant has not been identified in the general population by the Genome Aggregation Database (gnomAD). The available evidence is insufficient to determine the role of this variant in disease conclusively. Therefore, this variant is classified as a Variant of Uncertain Significance.